The following is an entry in ClinVar:

ClinVar aggregate classification (germline): Uncertain significance (1 of 4 stars; one submission).

Allele frequency attached by ClinVar (database versions not stated): gnomAD exomes below 0.00001.
gnomAD v4.1: 3 of 1,614,216 alleles (0.00019%); highest among the groups gnomAD compares: South Asian, 0.0033%; no homozygotes.

Submission:

GeneDx
Classification: Uncertain significance. Last evaluated: 2017-06-21. Review status: criteria provided, single submitter. Criteria: GeneDx Variant Classification (06012015). Collection method: clinical testing. Allele origin: germline. Affected: yes.
Comment: A variant of uncertain significance has been identified in the LGI1 gene. The Q466R variant has not been published as a pathogenic variant, nor has it been reported as a benign variant to our knowledge. The Q466R variant is not observed in large population cohorts (Lek et al., 2016; 1000 Genomes Consortium et al., 2015; Exome Variant Server). The Q466R variant is a semi-conservative amino acid substitution, which may impact secondary protein structure as these residues differ in some properties. Missense variants in nearby residues (S473L and R474Q) have been reported in Human Gene Mutation Database in association with LGI1-related disorders (Stenson et al., 2014), supporting the functional importance of this region of the protein. However, this substitution occurs at a position that is not conserved. In silico analysis is inconsistent in its predictions as to whether or not the variant is damaging to the protein structure/function. Therefore, based on the currently available information, it is unclear whether this variant is a pathogenic variant or a rare benign variant.

NM_005097.4(LGI1):c.1397A>G (p.Gln466Arg)

Gene: LGI1 (leucine rich glioma inactivated 1; plus strand). Cytogenetic location: 10q23.33.
Variant type: single nucleotide variant.
Coding change: c.1397A>G on transcript NM_005097.4 (MANE Select); coding-DNA position 1397, A replaced by G.
Protein change: p.Gln466Arg; replaces glutamine 466 with arginine.
Molecular consequence: missense variant. On other transcripts: non-coding transcript variant (1), intron variant (1).
Genome position (GRCh38, 1-based): chr10:93,797,526, A>G. VCF-style: chr10-93797526-A-G. GRCh37 (hg19) VCF-style: chr10-95557283-A-G.
Other names: c.1253A>G, p.Gln418Arg (NM_001308276.2); c.839-223A>G (NM_001308275.2); short protein forms Q466R, Q418R.
Identifiers: ClinVar variation 432849 (VCV000432849.2), dbSNP rs1386173764, ClinGen allele CA377629501.
Genomic context (GRCh38, chr10:93,797,526, plus strand): 5'-TTTGCTTGACAAGATTCATTGGTGATTCCAAAGTCATGAAATGGGGAGGCTCCTCGTTCC[A>G]GGATATTCAGAGGATGCCATCGCGAGGATCCATGGTGTTCCAGCCTCTTCAAATAAATAA-3'
Protein context (NP_005088.1, residues 456-476): KVMKWGGSSF[Gln466Arg]DIQRMPSRGS